The following is an entry in ClinVar:

ClinVar aggregate classification (germline): Conflicting classifications of pathogenicity. Review status: criteria provided, conflicting classifications (1 of 4 stars). 4 submissions from 4 submitters: Uncertain significance (1); Benign (1); Likely benign (1). 1 of the submissions does not count toward it. Last evaluated 2026-01-11.

Conditions:
WRN-related disorder. Also called: WRN-related condition.
Wiskott-Aldrich syndrome (WAS). Also called: ALDRICH SYNDROME; IMMUNODEFICIENCY 2; WISKOTT-ALDRICH SYNDROME 1; Wiskott-aldrich syndrome, somatic. Identifiers: Orphanet 906, MedGen C0043194, MONDO:0010518, OMIM 301000.
Werner syndrome (WRN). Identifiers: Orphanet 902, MedGen C0043119, MONDO:0010196, OMIM 277700.

Allele frequency attached by ClinVar (database versions not stated): TOPMed 0.00001; gnomAD 0.00002 and 0.00007; gnomAD exomes 0.00014 and 0.00038; ExAC 0.00042; 1000 Genomes Project 30x 0.00062; 1000 Genomes Project 0.00080.
gnomAD v4.1: 210 of 1,612,638 alleles (0.013%); highest among the groups gnomAD compares: South Asian, 0.2%; 1 homozygote.

Submissions (4):

Labcorp Genetics (formerly Invitae), Labcorp
Classification: Benign for Werner syndrome. Last evaluated: 2026-01-11. Review status: criteria provided, single submitter. Criteria: Invitae Variant Classification Sherloc (09022015). Collection method: clinical testing. Allele origin: germline.

KCCC/NGS Laboratory, Kuwait Cancer Control Center
Classification: Likely benign for Wiskott-Aldrich syndrome. Last evaluated: 2023-07-07. Review status: criteria provided, single submitter. Criteria: ACMG Guidelines, 2015. Collection method: clinical testing. Allele origin: germline. Affected: yes.

Revvity Omics, Revvity
Classification: Uncertain significance for Werner syndrome. Last evaluated: 2020-10-28. Review status: criteria provided, single submitter. Criteria: ACMG Guidelines, 2015. Collection method: clinical testing. Allele origin: germline.

PreventionGenetics, part of Exact Sciences
Classification: Likely benign for WRN-related condition. Last evaluated: 2022-05-06. Review status: no assertion criteria provided. Collection method: clinical testing. Allele origin: germline. Not counted in ClinVar's aggregate classification.
Comment: This variant is classified as likely benign based on ACMG/AMP sequence variant interpretation guidelines (Richards et al. 2015 PMID: 25741868, with internal and published modifications).

NM_000553.6(WRN):c.1378G>A (p.Asp460Asn)

Gene: WRN (WRN RecQ like helicase; plus strand). Cytogenetic location: 8p12.
Variant type: single nucleotide variant.
Coding change: c.1378G>A on transcript NM_000553.6 (MANE Select); coding-DNA position 1378, G replaced by A.
Protein change: p.Asp460Asn; replaces aspartic acid 460 with asparagine.
Molecular consequence: missense variant.
Genome position (GRCh38, 1-based): chr8:31,085,193, G>A. VCF-style: chr8-31085193-G-A. GRCh37 (hg19) VCF-style: chr8-30942709-G-A.
Other names: short protein forms D460N.
Identifiers: ClinVar variation 458382 (VCV000458382.16), dbSNP rs556958354, ClinGen allele CA4704341.